The following is an entry in ClinVar:

NM_015602.4(TOR1AIP1):c.1039C>G (p.Leu347Val)

Gene: TOR1AIP1 (torsin 1A interacting protein 1; plus strand). Cytogenetic location: 1q25.2.
Variant type: single nucleotide variant.
Coding change: c.1039C>G on transcript NM_015602.4 (MANE Select); coding-DNA position 1039, C replaced by G.
Protein change: p.Leu347Val; replaces leucine 347 with valine.
Molecular consequence: missense variant.
Genome position (GRCh38, 1-based): chr1:179,917,526, C>G. VCF-style: chr1-179917526-C-G. GRCh37 (hg19) VCF-style: chr1-179886661-C-G.
Other names: c.1042C>G, p.Leu348Val (NM_001267578.2); short protein forms L347V, L348V.
Identifiers: ClinVar variation 3972373 (VCV003972373.2).
Genomic context (GRCh38, chr1:179,917,526, plus strand): 5'-CCCCAAAATGCATCTTTTGTCAAGAGGAACCGGTGGTGGCTACTTCCTCTGATAGCTGCT[C>G]TTGCCTCTGGGAGTTTTTGGTTCTTTAGTACTCCTGAGGTAGAAACCACTGCTGTTCAAG-3'
Protein context (NP_056417.2, residues 337-357): RWWLLPLIAA[Leu347Val]ASGSFWFFST

ClinVar aggregate classification (germline): Uncertain significance. Review status: criteria provided, multiple submitters, no conflicts (2 of 4 stars). 2 submissions from 2 submitters: Uncertain significance (2). Last evaluated 2025-06-12.

Conditions:
Autosomal recessive limb-girdle muscular dystrophy type 2Y (MRRSDC). Also called: Muscular dystrophy, limb-girdle, type 2y; Muscular dystrophy, autosomal recessive, with rigid spine and distal joint contractures. Identifiers: Orphanet 424261, MedGen C4511482, MONDO:0014900, OMIM 617072.
Inborn genetic diseases. Identifiers: MedGen C0950123, MeSH D030342.

gnomAD v4.1: 22 of 1,613,934 alleles (0.0014%); highest among the groups gnomAD compares: Non-Finnish European, 0.0018%; no homozygotes.

Submissions (2):

Ambry Genetics
Classification: Uncertain significance for Inborn genetic diseases. Last evaluated: 2025-06-12. Review status: criteria provided, single submitter. Criteria: Ambry Variant Classification Scheme 2023. Collection method: clinical testing. Allele origin: germline.

Labcorp Genetics (formerly Invitae), Labcorp
Classification: Uncertain significance for Autosomal recessive limb-girdle muscular dystrophy type 2Y. Last evaluated: 2025-03-19. Review status: criteria provided, single submitter. Criteria: Invitae Variant Classification Sherloc (09022015). Collection method: clinical testing. Allele origin: germline.
Comment: This sequence change replaces leucine, which is neutral and non-polar, with valine, which is neutral and non-polar, at codon 348 of the TOR1AIP1 protein (p.Leu348Val). This variant is present in population databases (rs761664196, gnomAD 0.002%). This variant has not been reported in the literature in individuals affected with TOR1AIP1-related conditions. Invitae Evidence Modeling of protein sequence and biophysical properties (such as structural, functional, and spatial information, amino acid conservation, physicochemical variation, residue mobility, and thermodynamic stability) indicates that this missense variant is not expected to disrupt TOR1AIP1 protein function with a negative predictive value of 80%. In summary, the available evidence is currently insufficient to determine the role of this variant in disease. Therefore, it has been classified as a Variant of Uncertain Significance.